The following is an entry in ClinVar:

ClinVar aggregate classification (germline): Likely pathogenic. Review status: criteria provided, multiple submitters, no conflicts (2 of 4 stars). 2 submissions from 2 submitters: Likely pathogenic (2). Last evaluated 2025-05-15.

Conditions:
Primary ciliary dyskinesia 18. Also called: CILIARY DYSKINESIA, PRIMARY, 18, WITH OR WITHOUT SITUS INVERSUS. Identifiers: Orphanet 244, MedGen C3543825, MONDO:0013940, OMIM 614874.
Primary ciliary dyskinesia. Also called: Ciliary dyskinesia. Identifiers: Orphanet 244, MedGen C0008780, MONDO:0016575, HP:0012265.

Allele frequency attached by ClinVar (database versions not stated): gnomAD 0.00001; TOPMed 0.00002; gnomAD exomes 0.00005.
gnomAD v4.1: 16 of 1,601,068 alleles (0.001%); highest among the groups gnomAD compares: Admixed American, 0.023%; no homozygotes.

Submissions (2):

Labcorp Genetics (formerly Invitae), Labcorp
Classification: Likely pathogenic for Primary ciliary dyskinesia. Last evaluated: 2025-05-15. Review status: criteria provided, single submitter. Criteria: Invitae Variant Classification Sherloc (09022015). Collection method: clinical testing. Allele origin: germline.
Comment: This sequence change affects a donor splice site in intron 6 of the DNAAF5 gene. It is expected to disrupt RNA splicing. Variants that disrupt the donor or acceptor splice site typically lead to a loss of protein function (PMID: 16199547), and loss-of-function variants in DNAAF5 are known to be pathogenic (PMID: 24307375, 25232951). This variant is present in population databases (rs767713588, gnomAD 0.03%). This variant has not been reported in the literature in individuals affected with DNAAF5-related conditions. ClinVar contains an entry for this variant (Variation ID: 573238). Algorithms developed to predict the effect of sequence changes on RNA splicing suggest that this variant may disrupt the consensus splice site. In summary, the currently available evidence indicates that the variant is pathogenic, but additional data are needed to prove that conclusively. Therefore, this variant has been classified as Likely Pathogenic.

Baylor Genetics
Classification: Likely pathogenic for Primary ciliary dyskinesia 18. Last evaluated: 2023-09-28. Review status: criteria provided, single submitter. Criteria: ACMG Guidelines, 2015. Collection method: clinical testing. Allele origin: unknown.

Literature cited by the submitters: PubMed 16199547 (cited by Labcorp Genetics (formerly Invitae), Labcorp); PubMed 24307375 (cited by Labcorp Genetics (formerly Invitae), Labcorp); PubMed 25232951 (cited by Labcorp Genetics (formerly Invitae), Labcorp).

NM_017802.4(DNAAF5):c.1470+1G>A

Gene: DNAAF5 (dynein axonemal assembly factor 5; plus strand). Cytogenetic location: 7p22.3.
Variant type: single nucleotide variant.
Coding change: c.1470+1G>A on transcript NM_017802.4 (MANE Select); the canonical splice donor site of the intron after coding-DNA position 1470, G replaced by A.
Molecular consequence: splice donor variant.
Genome position (GRCh38, 1-based): chr7:756,995, G>A. VCF-style: chr7-756995-G-A. GRCh37 (hg19) VCF-style: chr7-796632-G-A.
Identifiers: ClinVar variation 573238 (VCV000573238.11), dbSNP rs767713588, ClinGen allele CA4110733.
Genomic context (GRCh38, chr7:756,995, plus strand): 5'-CACCTGGCAGCCATCGCCACAGAGCTGGCACAGGCCCACATCTGCCAGGCATCTGAAAAC[G>A]TAAGAGCACTTGGGAGATGCGGGAGTGGAGAGGAGGAGCCTCCCCTGCCCGGCCGTCAGC-3'